The following is an entry in ClinVar:

NM_024503.5(HIVEP3):c.5729C>T (p.Thr1910Met)

Gene: HIVEP3 (HIVEP zinc finger 3; minus strand). Cytogenetic location: 1p34.2.
Variant type: single nucleotide variant.
Coding change: c.5729C>T on transcript NM_024503.5 (MANE Select); coding-DNA position 5729, C replaced by T.
Protein change: p.Thr1910Met; replaces threonine 1910 with methionine.
Molecular consequence: missense variant.
Genome position (GRCh38, 1-based): chr1:41,513,492, G>A on the plus strand (C>T on the coding strand, the complement: HIVEP3 is on the minus strand). VCF-style: chr1-41513492-G-A. GRCh37 (hg19) VCF-style: chr1-41979163-G-A.
Other names: c.5729C>T, p.Thr1910Met (NM_001127714.3); short protein forms T1910M.
Identifiers: ClinVar variation 3034762 (VCV003034762.2), dbSNP rs78793608, ClinGen allele CA797381.
Genomic context (GRCh38, chr1:41,513,492, plus strand): 5'-GAGCAGCTGCTGGCTGTCAGGCGCTCAGCTTCCGAGACCGAGCTGCCTCGTGTAGCCTCC[G>A]TGCCAGAGGCGGGGGCATCTGGGGGCTGAGGGCCCAGGATGGGTGAGGAGTCTGCCCGCA-3'
Protein context (NP_078779.2, residues 1900-1920): PQPPDAPASG[Thr1910Met]EATRGSSVSE

ClinVar aggregate classification (germline): Benign (0 of 4 stars; one submission).

Conditions:
HIVEP3-related disorder. Also called: HIVEP3-related condition.

Allele frequency attached by ClinVar (database versions not stated): ExAC 0.00135; gnomAD 0.00420; ESP Exome Variant Server 0.00465; TOPMed 0.00499; 1000 Genomes Project 0.00559; 1000 Genomes Project 30x 0.00593.
gnomAD v4.1: 1,254 of 1,609,054 alleles (0.078%); highest among the groups gnomAD compares: African/African-American, 1.4%; 9 homozygotes.

Submission:

PreventionGenetics, part of Exact Sciences
Classification: Benign for HIVEP3-related condition. Last evaluated: 2019-08-09. Review status: no assertion criteria provided. Collection method: clinical testing. Allele origin: germline.
Comment: This variant is classified as benign based on ACMG/AMP sequence variant interpretation guidelines (Richards et al. 2015 PMID: 25741868, with internal and published modifications).